The following is an entry in ClinVar:

NM_003560.4(PLA2G6):c.238G>T (p.Ala80Ser)

Gene: PLA2G6 (phospholipase A2 group VI; minus strand). Cytogenetic location: 22q13.1.
Variant type: single nucleotide variant.
Coding change: c.238G>T on transcript NM_003560.4 (MANE Select); coding-DNA position 238, G replaced by T.
Protein change: p.Ala80Ser; replaces alanine 80 with serine.
Molecular consequence: missense variant. On other transcripts: 5 prime UTR variant (3).
Genome position (GRCh38, 1-based): chr22:38,145,625, C>A on the plus strand (G>T on the coding strand, the complement: PLA2G6 is on the minus strand). VCF-style: chr22-38145625-C-A. GRCh37 (hg19) VCF-style: chr22-38541632-C-A.
Other names: c.238G>T, p.Ala80Ser (NM_001004426.3, NM_001199562.3, NM_001349864.2 and 2 more transcripts); c.-297G>T (NM_001349867.2, NM_001349869.2); c.-253G>T (NM_001349868.2); short protein forms A80S.
Identifiers: ClinVar variation 1474450 (VCV001474450.9), dbSNP rs121908685, ClinGen allele CA324214071.

ClinVar aggregate classification (germline): Conflicting classifications of pathogenicity. Review status: criteria provided, conflicting classifications (1 of 4 stars). 2 submissions from 2 submitters: Likely pathogenic (1); Uncertain significance (1). Last evaluated 2024-05-21.

Conditions:
Infantile neuroaxonal dystrophy (NBIA2A). Also called: NEURODEGENERATION WITH BRAIN IRON ACCUMULATION 2A; SEITELBERGER DISEASE; Infantile neuroaxonal dystrophy 1. Identifiers: Orphanet 35069, MedGen C0270724, MONDO:0024457, OMIM 256600.

gnomAD v4.1: 1 of 1,612,948 alleles (0.000062%); highest among the groups gnomAD compares: Non-Finnish European, 0.000085%; no homozygotes.

Submissions (2):

Women's Health and Genetics/Laboratory Corporation of America, LabCorp
Classification: Uncertain significance. Last evaluated: 2024-05-21. Review status: criteria provided, single submitter. Criteria: LabCorp Variant Classification Summary - May 2015. Collection method: clinical testing. Allele origin: germline.
Comment: Variant summary: PLA2G6 c.238G>T (p.Ala80Ser) results in a conservative amino acid change in the encoded protein sequence. Three of five in-silico tools predict a benign effect of the variant on protein function. The variant was absent in 249158 control chromosomes (gnomAD). The available data on variant occurrences in the general population are insufficient to allow any conclusion about variant significance. To our knowledge, no occurrence of c.238G>T in individuals affected with Neurodegeneration With Brain Iron Accumulation and no experimental evidence demonstrating its impact on protein function have been reported. ClinVar contains an entry for this variant (Variation ID: 1474450). Based on the evidence outlined above, the variant was classified as uncertain significance.

Labcorp Genetics (formerly Invitae), Labcorp
Classification: Likely pathogenic for Infantile neuroaxonal dystrophy. Last evaluated: 2024-03-04. Review status: criteria provided, single submitter. Criteria: Invitae Variant Classification Sherloc (09022015). Collection method: clinical testing. Allele origin: germline.
Comment: This sequence change replaces alanine, which is neutral and non-polar, with serine, which is neutral and polar, at codon 80 of the PLA2G6 protein (p.Ala80Ser). This variant is not present in population databases (gnomAD no frequency). This variant has not been reported in the literature in individuals affected with PLA2G6-related conditions. ClinVar contains an entry for this variant (Variation ID: 1474450). Advanced modeling of protein sequence and biophysical properties (such as structural, functional, and spatial information, amino acid conservation, physicochemical variation, residue mobility, and thermodynamic stability) has been performed at Invitae for this missense variant, however the output from this modeling did not meet the statistical confidence thresholds required to predict the impact of this variant on PLA2G6 protein function. This variant disrupts the p.Arg80 amino acid residue in PLA2G6. Other variant(s) that disrupt this residue have been determined to be pathogenic (PMID: 16783378, 30772976). This suggests that this residue is clinically significant, and that variants that disrupt this residue are likely to be disease-causing. In summary, the currently available evidence indicates that the variant is pathogenic, but additional data are needed to prove that conclusively. Therefore, this variant has been classified as Likely Pathogenic.

Literature cited by the submitters: PubMed 36879366 (cited by Women's Health and Genetics/Laboratory Corporation of America, LabCorp); PubMed 16783378 (cited by Labcorp Genetics (formerly Invitae), Labcorp); PubMed 30772976 (cited by Labcorp Genetics (formerly Invitae), Labcorp).